The following is an entry in ClinVar:

ClinVar aggregate classification (germline): Benign. Review status: criteria provided, multiple submitters, no conflicts (2 of 4 stars). 5 submissions from 5 submitters: Benign (4). 1 of the submissions does not count toward it. Last evaluated 2026-02-03.

Conditions:
Combined oxidative phosphorylation defect type 14. Also called: Combined oxidative phosphorylation deficiency 14. Identifiers: Orphanet 319519, MedGen C4755312, MONDO:0013986, OMIM 614946.

Allele frequency attached by ClinVar (database versions not stated): gnomAD exomes 0.01021; ExAC 0.01076; 1000 Genomes Project 0.02436; gnomAD 0.02469 and 0.02609; 1000 Genomes Project 30x 0.02655; ESP Exome Variant Server 0.02783; TOPMed 0.02833.
gnomAD v4.1: 15,055 of 1,614,142 alleles (0.93%); highest among the groups gnomAD compares: African/African-American, 7.1%; 241 homozygotes.

Submissions (5):

Labcorp Genetics (formerly Invitae), Labcorp
Classification: Benign for Combined oxidative phosphorylation defect type 14. Last evaluated: 2026-02-03. Review status: criteria provided, single submitter. Criteria: Invitae Variant Classification Sherloc (09022015). Collection method: clinical testing. Allele origin: germline.

Wong Mito Lab, Molecular and Human Genetics, Baylor College of Medicine
Classification: Benign for Combined oxidative phosphorylation deficiency 14. Last evaluated: 2018-06-13. Review status: criteria provided, single submitter. Criteria: ACMG Guidelines, 2015. Collection method: clinical testing. Allele origin: germline.

GeneDx
Classification: Benign. Last evaluated: 2013-11-26. Review status: criteria provided, single submitter. Criteria: GeneDx Variant Classification (06012015). Collection method: clinical testing. Allele origin: germline. Affected: yes.
Comment: This variant is considered likely benign or benign based on one or more of the following criteria: it is a conservative change, it occurs at a poorly conserved position in the protein, it is predicted to be benign by multiple in silico algorithms, and/or has population frequency not consistent with disease.

PreventionGenetics, part of Exact Sciences
Classification: Benign. Review status: criteria provided, single submitter. Criteria: ACMG Guidelines, 2015. Collection method: clinical testing. Allele origin: germline.

Mayo Clinic Laboratories, Mayo Clinic
Classification: Benign. Last evaluated: 2018-01-12. Review status: no assertion criteria provided. Collection method: clinical testing. Allele origin: unknown. Not counted in ClinVar's aggregate classification.

NM_006567.5(FARS2):c.339C>T (p.Tyr113=)

Genes: FARS2 (phenylalanyl-tRNA synthetase 2, mitochondrial; plus strand), LOC126859565 (CDK7 strongly-dependent group 2 enhancer GRCh37_chr6:5368745-5369944; plus strand). Cytogenetic location: 6p25.1.
Variant type: single nucleotide variant.
Coding change: c.339C>T on transcript NM_006567.5 (MANE Select); coding-DNA position 339, C replaced by T.
Protein change: p.Tyr113=; no amino-acid change (tyrosine 113 retained).
Molecular consequence: synonymous variant. On other transcripts: intron variant (2).
Genome position (GRCh38, 1-based): chr6:5,368,909, C>T. VCF-style: chr6-5368909-C-T. GRCh37 (hg19) VCF-style: chr6-5369142-C-T.
Other names: p.Y113Y:TAC>TAT; c.339C>T, p.Tyr113= (NM_001318872.2, NM_001374875.1, NM_001374876.1 and 5 more transcripts); c.-340-27724C>T (NM_001375260.1); c.-84-35633C>T (NM_001375259.1).
Identifiers: ClinVar variation 137289 (VCV000137289.14), dbSNP rs41302853, ClinGen allele CA290839.